The following is an entry in ClinVar:

NM_207037.2(TCF12):c.1467+1G>A

Gene: TCF12 (transcription factor 12; plus strand). Cytogenetic location: 15q21.3.
Variant type: single nucleotide variant.
Coding change: c.1467+1G>A on transcript NM_207037.2 (MANE Select); the canonical splice donor site of the intron after coding-DNA position 1467, G replaced by A.
Molecular consequence: splice donor variant.
Genome position (GRCh38, 1-based): chr15:57,253,469, G>A. VCF-style: chr15-57253469-G-A. GRCh37 (hg19) VCF-style: chr15-57545667-G-A.
Other names: c.1467+1G>A (NM_001322151.2, NM_001322159.3, NM_001322152.2 and 2 more transcripts); c.1395+1G>A (NM_001322157.3, NM_003205.4, NM_207038.2 and 1 more transcripts); c.1293+1G>A (NM_001322156.2); c.1221+1G>A (NM_001322158.2); c.810+1G>A (NM_001322154.2); c.1464+1G>A (NM_001322161.2); c.1431+1G>A (NM_001322164.2); c.957+1G>A (NM_001306219.3); and 2 more.
Identifiers: ClinVar variation 4280672 (VCV004280672.2).

ClinVar aggregate classification (germline): Pathogenic (1 of 4 stars; one submission).

Conditions:
Common craniosynostosis syndromes.

Submission:

Genetics Laboratory, Great Ormond Street Hospital NHS Foundation Trust, North Thames Genomic Laboratory Hub
Classification: Pathogenic for Common craniosynostosis syndromes. Last evaluated: 2026-06-12. Review status: criteria provided, single submitter. Criteria: ACGS Best Practice Guidelines for Variant Classification in Rare Disease 2024 v1.2. Collection method: clinical testing. Allele origin: germline. Affected: yes.
Comment: PM2_moderate, PVS1_very-strong